The following is an entry in ClinVar:

ClinVar aggregate classification (germline): Uncertain significance. Review status: criteria provided, multiple submitters, no conflicts (2 of 4 stars). 2 submissions from 2 submitters: Uncertain significance (2). Last evaluated 2025-08-10.

Conditions:
Inborn genetic diseases. Identifiers: MedGen C0950123, MeSH D030342.
Fetal akinesia deformation sequence 1 (FADS1). Also called: Fetal akinesia sequence; Pena-Shokeir syndrome type I. Identifiers: Orphanet 994, MedGen C1276035, MONDO:0100101, OMIM 208150, HP:0001989.
Congenital myasthenic syndrome 10. Also called: Myasthenia, limb-girdle, familial. Identifiers: Orphanet 590, MedGen C1850792, MONDO:0009690, OMIM 254300.

Allele frequency attached by ClinVar (database versions not stated): ExAC 0.00004; gnomAD exomes 0.00005 and 0.00011; TOPMed 0.00006; gnomAD 0.00007 and 0.00008.
gnomAD v4.1: 167 of 1,611,018 alleles (0.01%); highest among the groups gnomAD compares: Non-Finnish European, 0.013%; no homozygotes.

Submissions (2):

Ambry Genetics
Classification: Uncertain significance for Inborn genetic diseases. Last evaluated: 2025-08-10. Review status: criteria provided, single submitter. Criteria: Ambry Variant Classification Scheme 2023. Collection method: clinical testing. Allele origin: germline.

Labcorp Genetics (formerly Invitae), Labcorp
Classification: Uncertain significance for Congenital myasthenic syndrome 10; Fetal akinesia deformation sequence 1. Last evaluated: 2022-08-22. Review status: criteria provided, single submitter. Criteria: Invitae Variant Classification Sherloc (09022015). Collection method: clinical testing. Allele origin: germline.
Comment: This sequence change replaces glutamic acid, which is acidic and polar, with lysine, which is basic and polar, at codon 72 of the DOK7 protein (p.Glu72Lys). This variant is present in population databases (rs770653049, gnomAD 0.01%). This variant has not been reported in the literature in individuals affected with DOK7-related conditions. ClinVar contains an entry for this variant (Variation ID: 641993). Algorithms developed to predict the effect of missense changes on protein structure and function are either unavailable or do not agree on the potential impact of this missense change (SIFT: "Deleterious"; PolyPhen-2: "Possibly Damaging"; Align-GVGD: "Class C0"). In summary, the available evidence is currently insufficient to determine the role of this variant in disease. Therefore, it has been classified as a Variant of Uncertain Significance.

NM_173660.5(DOK7):c.214G>A (p.Glu72Lys)

Gene: DOK7 (docking protein 7; plus strand). Cytogenetic location: 4p16.3.
Variant type: single nucleotide variant.
Coding change: c.214G>A on transcript NM_173660.5 (MANE Select); coding-DNA position 214, G replaced by A.
Protein change: p.Glu72Lys; replaces glutamic acid 72 with lysine.
Molecular consequence: missense variant. On other transcripts: intron variant (1).
Genome position (GRCh38, 1-based): chr4:3,473,519, G>A. VCF-style: chr4-3473519-G-A. GRCh37 (hg19) VCF-style: chr4-3475246-G-A.
Other names: c.214G>A, p.Glu72Lys (NM_001164673.2, NM_001301071.2); c.100+9968G>A (NM_001363811.2); short protein forms E72K.
Identifiers: ClinVar variation 641993 (VCV000641993.7), dbSNP rs770653049, ClinGen allele CA2828911.